The following is an entry in ClinVar:

ClinVar aggregate classification (germline): Likely benign. Review status: criteria provided, multiple submitters, no conflicts (2 of 4 stars). 2 submissions from 2 submitters: Likely benign (2). Last evaluated 2025-03-24.

Conditions:
INPP5E-related disorder. Also called: INPP5E-related condition.
Joubert syndrome. Also called: JOUBERT-BOLTSHAUSER SYNDROME; Familial aplasia of the vermis. Identifiers: Orphanet 475, MedGen C5979921, MONDO:0018772.

Allele frequency attached by ClinVar (database versions not stated): gnomAD 0.00001; gnomAD exomes 0.00002; TOPMed 0.00002; ExAC 0.00004.
gnomAD v4.1: 25 of 1,609,302 alleles (0.0016%); highest among the groups gnomAD compares: African/African-American, 0.0068%; no homozygotes.

Submissions (2):

PreventionGenetics, part of Exact Sciences
Classification: Likely benign for INPP5E-related condition. Last evaluated: 2025-03-24. Review status: criteria provided, single submitter. Criteria: ACMG Guidelines, 2015. Collection method: clinical testing. Allele origin: germline.
Comment: This variant is classified as likely benign based on ACMG/AMP sequence variant interpretation guidelines (Richards et al. 2015 PMID: 25741868, with internal and published modifications).

Labcorp Genetics (formerly Invitae), Labcorp
Classification: Likely benign for Joubert syndrome. Last evaluated: 2024-09-01. Review status: criteria provided, single submitter. Criteria: Invitae Variant Classification Sherloc (09022015). Collection method: clinical testing. Allele origin: germline.

NM_019892.6(INPP5E):c.1509G>A (p.Ala503=)

Gene: INPP5E (inositol polyphosphate-5-phosphatase E; minus strand). Cytogenetic location: 9q34.3.
Variant type: single nucleotide variant.
Coding change: c.1509G>A on transcript NM_019892.6 (MANE Select); coding-DNA position 1509, G replaced by A.
Protein change: p.Ala503=; no amino-acid change (alanine 503 retained).
Molecular consequence: synonymous variant.
Genome position (GRCh38, 1-based): chr9:136,431,864, C>T on the plus strand (G>A on the coding strand, the complement: INPP5E is on the minus strand). VCF-style: chr9-136431864-C-T. GRCh37 (hg19) VCF-style: chr9-139326316-C-T.
Other names: c.1506G>A, p.Ala502= (NM_001318502.2); c.1509G>A (NM_019892.5).
Identifiers: ClinVar variation 2150401 (VCV002150401.5), dbSNP rs770801327, ClinGen allele CA5336767.
Genomic context (GRCh38, chr9:136,431,864, plus strand): 5'-CCGCCCCCCCAGGCCCTCACCTTTCCGCATCTCCCGGATGAGCTGGTCGTGCTGCAGCAG[C>T]GCCGGCACGTCCACCACCAGGCCCTGGCACAGGAGGGCGTCCACGACTGTGCGCCCGCCA-3'
Protein context (NP_063945.2, residues 493-513): LCQGLVVDVP[Ala503=]LLQHDQLIRE